The following is an entry in ClinVar:

ClinVar aggregate classification (germline): Uncertain significance (1 of 4 stars; one submission).

Conditions:
Leber congenital amaurosis 3 (LCA3). Also called: SPATA7-Related Retinitis Pigmentosa. Identifiers: MedGen C1858677, MONDO:0011415, OMIM 604232.

gnomAD v4.1: 2 of 1,613,998 alleles (0.00012%); highest among the groups gnomAD compares: Non-Finnish European, 0.000085%; no homozygotes.

Submission:

Labcorp Genetics (formerly Invitae), Labcorp
Classification: Uncertain significance for Leber congenital amaurosis 3. Last evaluated: 2020-12-08. Review status: criteria provided, single submitter. Criteria: Invitae Variant Classification Sherloc (09022015). Collection method: clinical testing. Allele origin: germline.
Comment: In summary, the available evidence is currently insufficient to determine the role of this variant in disease. Therefore, it has been classified as a Variant of Uncertain Significance. Algorithms developed to predict the effect of missense changes on protein structure and function are either unavailable or do not agree on the potential impact of this missense change (SIFT: "Deleterious"; PolyPhen-2: "Possibly Damaging"; Align-GVGD: "Class C0"). This variant has not been reported in the literature in individuals with SPATA7-related conditions. This variant is not present in population databases (ExAC no frequency). This sequence change replaces aspartic acid with tyrosine at codon 575 of the SPATA7 protein (p.Asp575Tyr). The aspartic acid residue is moderately conserved and there is a large physicochemical difference between aspartic acid and tyrosine.

NM_018418.5(SPATA7):c.1723G>T (p.Asp575Tyr)

Gene: SPATA7 (spermatogenesis associated 7; plus strand). Cytogenetic location: 14q31.3.
Variant type: single nucleotide variant.
Coding change: c.1723G>T on transcript NM_018418.5 (MANE Select); coding-DNA position 1723, G replaced by T.
Protein change: p.Asp575Tyr; replaces aspartic acid 575 with tyrosine.
Molecular consequence: missense variant.
Genome position (GRCh38, 1-based): chr14:88,438,345, G>T. VCF-style: chr14-88438345-G-T. GRCh37 (hg19) VCF-style: chr14-88904689-G-T.
Other names: c.1627G>T, p.Asp543Tyr (NM_001040428.4); short protein forms D575Y, D543Y.
Identifiers: ClinVar variation 1354975 (VCV001354975.8), dbSNP rs551066420, ClinGen allele CA390574079.